The following is an entry in ClinVar:

ClinVar aggregate classification (germline): Uncertain significance (1 of 4 stars; one submission).

Allele frequency attached by ClinVar (database versions not stated): gnomAD exomes 0.00004; gnomAD 0.00005; TOPMed 0.00008; ExAC 0.00019.

Submission:

Labcorp Genetics (formerly Invitae), Labcorp
Classification: Uncertain significance. Last evaluated: 2022-07-02. Review status: criteria provided, single submitter. Criteria: Invitae Variant Classification Sherloc (09022015). Collection method: clinical testing. Allele origin: germline.
Comment: This sequence change replaces glycine, which is neutral and non-polar, with glutamic acid, which is acidic and polar, at codon 422 of the CYP17A1 protein (p.Gly422Glu). This variant is present in population databases (rs749392282, gnomAD 0.1%). This variant has not been reported in the literature in individuals affected with CYP17A1-related conditions. Algorithms developed to predict the effect of missense changes on protein structure and function are either unavailable or do not agree on the potential impact of this missense change (SIFT: "Tolerated"; PolyPhen-2: "Possibly Damaging"; Align-GVGD: "Class C0"). In summary, the available evidence is currently insufficient to determine the role of this variant in disease. Therefore, it has been classified as a Variant of Uncertain Significance.

NM_000102.4(CYP17A1):c.1265G>A (p.Gly422Glu)

Gene: CYP17A1 (cytochrome P450 family 17 subfamily A member 1; minus strand). Cytogenetic location: 10q24.32.
Variant type: single nucleotide variant.
Coding change: c.1265G>A on transcript NM_000102.4 (MANE Select); coding-DNA position 1265, G replaced by A.
Protein change: p.Gly422Glu; replaces glycine 422 with glutamic acid.
Molecular consequence: missense variant.
Genome position (GRCh38, 1-based): chr10:102,830,964, C>T on the plus strand (G>A on the coding strand, the complement: CYP17A1 is on the minus strand). VCF-style: chr10-102830964-C-T. GRCh37 (hg19) VCF-style: chr10-104590721-C-T.
Other names: short protein forms G422E.
Identifiers: ClinVar variation 2137364 (VCV002137364.1), dbSNP rs749392282, ClinGen allele CA5669347.